The following is an entry in ClinVar:

NM_004491.5(ARHGAP35):c.1304C>T (p.Ala435Val)

Gene: ARHGAP35 (Rho GTPase activating protein 35; plus strand). Cytogenetic location: 19q13.32.
Variant type: single nucleotide variant.
Coding change: c.1304C>T on transcript NM_004491.5 (MANE Select); coding-DNA position 1304, C replaced by T.
Protein change: p.Ala435Val; replaces alanine 435 with valine.
Molecular consequence: missense variant.
Genome position (GRCh38, 1-based): chr19:46,919,979, C>T. VCF-style: chr19-46919979-C-T. GRCh37 (hg19) VCF-style: chr19-47423236-C-T.
Other names: short protein forms A435V.
Identifiers: ClinVar variation 3128797 (VCV003128797.2), dbSNP rs771383091, ClinGen allele CA9533251.
Genomic context (GRCh38, chr19:46,919,979, plus strand): 5'-TATACGAGGCCCACTTAGAGAAGCTGAGGAACGAAAGGAAAAGAGTTGAGATGCGAAGGG[C>T]GTTTAAAGAAAACCTGGAGACTTCTCCTTTCATAACTCCCGGAAAGCCTTGGGAAGAGGC-3'
Protein context (NP_004482.4, residues 425-445): NERKRVEMRR[Ala435Val]FKENLETSPF

ClinVar aggregate classification (germline): Uncertain significance. Review status: criteria provided, multiple submitters, no conflicts (2 of 4 stars). 2 submissions from 2 submitters: Uncertain significance (2). Last evaluated 2026-08-19.

Conditions:
ARHGAP35-related condition.

Allele frequency attached by ClinVar (database versions not stated): gnomAD exomes 0.00001; ExAC 0.00002; gnomAD 0.00012; TOPMed 0.00022.
gnomAD v4.1: 32 of 1,613,752 alleles (0.002%); highest among the groups gnomAD compares: Admixed American, 0.027%; no homozygotes.

Submissions (2):

PreventionGenetics, part of Exact Sciences
Classification: Uncertain significance for ARHGAP35-related condition. Last evaluated: 2026-08-19. Review status: criteria provided, single submitter. Criteria: ACMG Guidelines, 2015. Collection method: clinical testing. Allele origin: germline.
Comment: The ARHGAP35 c.1304C>T variant is predicted to result in the amino acid substitution p.Ala435Val. To our knowledge, this variant has not been reported in the literature. This variant is reported in 0.0056% of alleles in individuals of East Asian descent in gnomAD. At this time, the clinical significance of this variant is uncertain due to the absence of conclusive functional and genetic evidence.

Ambry Genetics
Classification: Uncertain significance. Last evaluated: 2024-01-16. Review status: criteria provided, single submitter. Criteria: Ambry Variant Classification Scheme 2023. Collection method: clinical testing. Allele origin: germline.